The following is an entry in ClinVar:

NM_006206.6(PDGFRA):c.2881-15A>G

Gene: PDGFRA (platelet derived growth factor receptor alpha; plus strand). Cytogenetic location: 4q12.
Variant type: single nucleotide variant.
Coding change: c.2881-15A>G on transcript NM_006206.6 (MANE Select); 15 bases into the intron before coding-DNA position 2881, A replaced by G.
Molecular consequence: intron variant.
Genome position (GRCh38, 1-based): chr4:54,290,298, A>G. VCF-style: chr4-54290298-A-G. GRCh37 (hg19) VCF-style: chr4-55156465-A-G.
Other names: c.2956-15A>G (NM_001347828.2); c.2881-15A>G (NM_001347829.2); c.2920-15A>G (NM_001347830.2).
Identifiers: ClinVar variation 1620444 (VCV001620444.9), dbSNP rs756346250, ClinGen allele CA2922984.

ClinVar aggregate classification (germline): Likely benign. Review status: criteria provided, multiple submitters, no conflicts (2 of 4 stars). 2 submissions from 2 submitters: Likely benign (2). Last evaluated 2026-06-15.

Conditions:
Gastrointestinal stromal tumor. Also called: Gastrointestinal stromal tumor, somatic; Gastrointestinal stroma tumor. Identifiers: Orphanet 44890, MedGen C0238198, MeSH D046152, MONDO:0011719, OMIM 606764, HP:0100723.
Polyps, multiple and recurrent inflammatory fibroid, gastrointestinal. Identifiers: MedGen C5193005, MONDO:0008285, OMIM 175510.

Allele frequency attached by ClinVar (database versions not stated): gnomAD exomes below 0.00001 and 0.00001; ExAC 0.00001.
gnomAD v4.1: 7 of 1,599,814 alleles (0.00044%); highest among the groups gnomAD compares: Non-Finnish European, 0.0006%; no homozygotes.

Submissions (2):

Myriad Genetics, Inc.
Classification: Likely benign for Polyps, multiple and recurrent inflammatory fibroid, gastrointestinal. Last evaluated: 2026-06-15. Review status: criteria provided, single submitter. Criteria: Myriad Autosomal Dominant, Autosomal Recessive and X-Linked Classification Criteria (2023). Collection method: clinical testing. Allele origin: unknown.
Comment: This variant is considered likely benign. This variant is intronic and is not expected to impact mRNA splicing.

Labcorp Genetics (formerly Invitae), Labcorp
Classification: Likely benign for Gastrointestinal stromal tumor. Last evaluated: 2025-08-15. Review status: criteria provided, single submitter. Criteria: Invitae Variant Classification Sherloc (09022015). Collection method: clinical testing. Allele origin: germline.